The following is an entry in ClinVar:

NM_177438.3(DICER1):c.1086C>G (p.His362Gln)

Gene: DICER1 (dicer 1, ribonuclease III; minus strand). Cytogenetic location: 14q32.13.
Variant type: single nucleotide variant.
Coding change: c.1086C>G on transcript NM_177438.3 (MANE Select); coding-DNA position 1086, C replaced by G.
Protein change: p.His362Gln; replaces histidine 362 with glutamine.
Molecular consequence: missense variant.
Genome position (GRCh38, 1-based): chr14:95,124,486, G>C on the plus strand (C>G on the coding strand, the complement: DICER1 is on the minus strand). VCF-style: chr14-95124486-G-C. GRCh37 (hg19) VCF-style: chr14-95590823-G-C.
Other names: c.1086C>G, p.His362Gln (NM_001195573.1, NM_001271282.3, NM_001291628.2 and 1 more transcripts); short protein forms H362Q.
Identifiers: ClinVar variation 822094 (VCV000822094.11), dbSNP rs1595439630, ClinGen allele CA390886988.

ClinVar aggregate classification (germline): Uncertain significance. Review status: criteria provided, multiple submitters, no conflicts (2 of 4 stars). 2 submissions from 2 submitters: Uncertain significance (2). Last evaluated 2021-09-09.

Conditions:
DICER1-related tumor predisposition. Also called: DICER1-related pleuropulmonary blastoma cancer predisposition syndrome; DICER1 syndrome. Identifiers: Orphanet 284343, MedGen C3839822, MONDO:0100216.
Hereditary cancer-predisposing syndrome. Also called: Hereditary Cancer Syndrome; Neoplastic Syndromes, Hereditary; Hereditary neoplastic syndrome; Tumor predisposition. Identifiers: Orphanet 140162, MedGen C0027672, MeSH D009386, MONDO:0015356.

Submissions (2):

Labcorp Genetics (formerly Invitae), Labcorp
Classification: Uncertain significance for DICER1-related tumor predisposition. Last evaluated: 2021-09-09. Review status: criteria provided, single submitter. Criteria: Invitae Variant Classification Sherloc (09022015). Collection method: clinical testing. Allele origin: germline.
Comment: This variant has not been reported in the literature in individuals affected with DICER1-related conditions. This sequence change replaces histidine with glutamine at codon 362 of the DICER1 protein (p.His362Gln). The histidine residue is moderately conserved and there is a small physicochemical difference between histidine and glutamine. This variant is not present in population databases (ExAC no frequency). ClinVar contains an entry for this variant (Variation ID: 822094). Algorithms developed to predict the effect of missense changes on protein structure and function are either unavailable or do not agree on the potential impact of this missense change (SIFT: "Tolerated"; PolyPhen-2: "Probably Damaging"; Align-GVGD: "Class C0"). In summary, the available evidence is currently insufficient to determine the role of this variant in disease. Therefore, it has been classified as a Variant of Uncertain Significance.

Ambry Genetics
Classification: Uncertain significance for Hereditary cancer-predisposing syndrome. Last evaluated: 2018-06-18. Review status: criteria provided, single submitter. Criteria: Ambry Variant Classification Scheme 2023. Collection method: clinical testing. Allele origin: germline.
Comment: The p.H362Q variant (also known as c.1086C>G), located in coding exon 7 of the DICER1 gene, results from a C to G substitution at nucleotide position 1086. The histidine at codon 362 is replaced by glutamine, an amino acid with highly similar properties. This amino acid position is well conserved in available vertebrate species. In addition, this alteration is predicted to be tolerated by in silico analysis. Since supporting evidence is limited at this time, the clinical significance of this alteration remains unclear.